The following is an entry in ClinVar:

ClinVar aggregate classification (germline): Conflicting classifications of pathogenicity. Review status: criteria provided, conflicting classifications (1 of 4 stars). 2 submissions from 2 submitters: Uncertain significance (1); Likely benign (1). Last evaluated 2024-10-31.

gnomAD v4.1: 4 of 1,574,396 alleles (0.00025%); highest among the groups gnomAD compares: Non-Finnish European, 0.00035%; no homozygotes.

Submissions (2):

GeneDx
Classification: Uncertain significance. Last evaluated: 2024-10-31. Review status: criteria provided, single submitter. Criteria: GeneDx Variant Classification Process June 2021. Collection method: clinical testing. Allele origin: germline. Affected: yes.
Comment: Not observed at significant frequency in large population cohorts (gnomAD); In silico analysis indicates that this variant does not alter splicing; Has not been previously published as pathogenic or benign to our knowledge

Labcorp Genetics (formerly Invitae), Labcorp
Classification: Likely benign. Last evaluated: 2024-05-26. Review status: criteria provided, single submitter. Criteria: Invitae Variant Classification Sherloc (09022015). Collection method: clinical testing. Allele origin: germline.

NM_032119.4(ADGRV1):c.4332A>G (p.Ala1444=)

Gene: ADGRV1 (adhesion G protein-coupled receptor V1; plus strand). Cytogenetic location: 5q14.3.
Variant type: single nucleotide variant.
Coding change: c.4332A>G on transcript NM_032119.4 (MANE Select); coding-DNA position 4332, A replaced by G.
Protein change: p.Ala1444=; no amino-acid change (alanine 1444 retained).
Molecular consequence: synonymous variant. On other transcripts: non-coding transcript variant (1).
Genome position (GRCh38, 1-based): chr5:90,653,906, A>G. VCF-style: chr5-90653906-A-G. GRCh37 (hg19) VCF-style: chr5-89949723-A-G.
Other names: c.4332A>G (NM_032119.3).
Identifiers: ClinVar variation 3672125 (VCV003672125.3).